The following is an entry in ClinVar:

ClinVar aggregate classification (germline): Conflicting classifications of pathogenicity. Review status: criteria provided, conflicting classifications (1 of 4 stars). 5 submissions from 5 submitters: Pathogenic (1); Likely pathogenic (2); Uncertain significance (2). Last evaluated 2025-07-09.

Conditions:
Cerebroretinal microangiopathy with calcifications and cysts 1 (CRMCC1). Identifiers: Orphanet 313838, MedGen C4552029, MONDO:0024564, OMIM 612199.
CTC1-related disorder. Also called: CTC1-related condition.
Dyskeratosis congenita. Identifiers: Orphanet 1775, MedGen C0265965, MONDO:0015780.

gnomAD v4.1: 44 of 1,542,898 alleles (0.0029%); highest among the groups gnomAD compares: Non-Finnish European, 0.0038%; no homozygotes.

Submissions (5):

Revvity Omics, Revvity
Classification: Uncertain significance for Cerebroretinal microangiopathy with calcifications and cysts 1. Last evaluated: 2025-07-09. Review status: criteria provided, single submitter. Criteria: ACMG Guidelines, 2015. Collection method: clinical testing. Allele origin: germline.

Labcorp Genetics (formerly Invitae), Labcorp
Classification: Pathogenic for Dyskeratosis congenita. Last evaluated: 2025-05-19. Review status: criteria provided, single submitter. Criteria: Invitae Variant Classification Sherloc (09022015). Collection method: clinical testing. Allele origin: germline.
Comment: This sequence change affects the initiator codon of the CTC1 mRNA. This change may impact translation initiation or efficiency. The next in-frame methionine is located at codon 300. This variant is present in population databases (rs779499831, gnomAD 0.002%). This variant has not been reported in the literature in individuals affected with CTC1-related conditions. ClinVar contains an entry for this variant (Variation ID: 1066973). This variant disrupts a region of the CTC1 protein in which other variant(s) (p.Ala227Val) have been determined to be pathogenic (PMID: 22387016, 24115768, 29481669). This suggests that this is a clinically significant region of the protein, and that variants that disrupt it are likely to be disease-causing. For these reasons, this variant has been classified as Pathogenic.

Fulgent Genetics
Classification: Likely pathogenic for Cerebroretinal microangiopathy with calcifications and cysts 1. Last evaluated: 2024-01-17. Review status: criteria provided, single submitter. Criteria: ACMG Guidelines, 2015. Collection method: clinical testing. Allele origin: germline.

Department of Pathology and Laboratory Medicine, Sinai Health System
Classification: Uncertain significance for dyskeratosis congenita. Last evaluated: 2022-12-21. Review status: criteria provided, single submitter. Criteria: ACMG Guidelines, 2015. Collection method: research. Allele origin: germline.

Blueprint Genetics
Classification: Likely pathogenic for CTC1-related disorders. Last evaluated: 2022-11-18. Review status: criteria provided, single submitter. Criteria: ACMG Guidelines, 2015. Collection method: clinical testing. Allele origin: germline. Affected: yes. Observed: 3 variant alleles.

Literature cited by the submitters: PubMed 22387016 (cited by Labcorp Genetics (formerly Invitae), Labcorp); PubMed 24115768 (cited by Labcorp Genetics (formerly Invitae), Labcorp); PubMed 29481669 (cited by Labcorp Genetics (formerly Invitae), Labcorp).

NM_025099.6(CTC1):c.1A>C (p.Met1Leu)

Genes: CTC1 (CST telomere replication complex component 1; minus strand), PFAS (phosphoribosylformylglycinamidine synthase; plus strand). Cytogenetic location: 17p13.1.
Variant type: single nucleotide variant.
Coding change: c.1A>C on transcript NM_025099.6 (MANE Select); coding-DNA position 1, A replaced by C.
Protein change: p.Met1Leu; changes the start codon (methionine 1).
Molecular consequence: missense variant, initiator codon variant. On other transcripts: non-coding transcript variant (1).
Genome position (GRCh38, 1-based): chr17:8,248,036, T>G on the plus strand (A>C on the coding strand, the complement: CTC1 is on the minus strand). VCF-style: chr17-8248036-T-G. GRCh37 (hg19) VCF-style: chr17-8151354-T-G.
Other names: short protein forms M1L.
Identifiers: ClinVar variation 1066973 (VCV001066973.14), dbSNP rs779499831, ClinGen allele CA8372774.